The following is an entry in ClinVar:

ClinVar aggregate classification (germline): Conflicting classifications of pathogenicity. Review status: criteria provided, conflicting classifications (1 of 4 stars). 6 submissions from 6 submitters: Uncertain significance (2); Benign (1); Likely benign (2). 1 of the submissions does not count toward it. Last evaluated 2025-11-25.

Conditions:
Cohen syndrome (COH1). Also called: PEPPER SYNDROME; Cutis verticis gyrata, retinitis pigmentosa, and sensorineural deafness. Identifiers: Orphanet 193, MedGen C0265223, MONDO:0008999, OMIM 216550.

Allele frequency attached by ClinVar (database versions not stated): gnomAD 0.00004; gnomAD exomes 0.00004 and 0.00013; ExAC 0.00014; 1000 Genomes Project 30x 0.00016; 1000 Genomes Project 0.00020.
gnomAD v4.1: 88 of 1,612,896 alleles (0.0055%); highest among the groups gnomAD compares: South Asian, 0.045%; 1 homozygote.

Submissions (6):

Labcorp Genetics (formerly Invitae), Labcorp
Classification: Benign for Cohen syndrome. Last evaluated: 2025-11-25. Review status: criteria provided, single submitter. Criteria: Invitae Variant Classification Sherloc (09022015). Collection method: clinical testing. Allele origin: germline.

Mayo Clinic Laboratories, Mayo Clinic
Classification: Likely benign. Last evaluated: 2025-10-15. Review status: criteria provided, single submitter. Criteria: ACMG Guidelines, 2015. Collection method: clinical testing. Allele origin: germline. Observed: 1 variant allele.
Comment: BP4, BP7

Blueprint Genetics
Classification: Likely benign. Last evaluated: 2024-08-07. Review status: criteria provided, single submitter. Criteria: ACMG Guidelines, 2015. Collection method: clinical testing. Allele origin: germline.

Illumina Laboratory Services, Illumina
Classification: Uncertain significance for Cohen syndrome. Last evaluated: 2018-01-12. Review status: criteria provided, single submitter. Criteria: ICSL Variant Classification Criteria 13 December 2019. Collection method: clinical testing. Allele origin: germline.

Genetic Services Laboratory, University of Chicago
Classification: Uncertain significance. Last evaluated: 2016-02-01. Review status: criteria provided, single submitter. Criteria: ACMG Guidelines, 2015. Collection method: clinical testing. Allele origin: germline. Affected: no.

Natera, Inc.
Classification: Benign for Cohen syndrome. Last evaluated: 2019-11-11. Review status: no assertion criteria provided. Collection method: clinical testing. Allele origin: germline. Not counted in ClinVar's aggregate classification.

NM_152564.5(VPS13B):c.1425+9G>A

Gene: VPS13B (vacuolar protein sorting 13 homolog B; plus strand). Cytogenetic location: 8q22.2.
Variant type: single nucleotide variant.
Coding change: c.1425+9G>A on transcript NM_152564.5 (MANE Select); 9 bases into the intron after coding-DNA position 1425, G replaced by A.
Molecular consequence: intron variant.
Genome position (GRCh38, 1-based): chr8:99,135,146, G>A. VCF-style: chr8-99135146-G-A. GRCh37 (hg19) VCF-style: chr8-100147374-G-A.
Other names: p.?; c.1425+9G>A (NM_017890.5, NM_015243.3).
Identifiers: ClinVar variation 437235 (VCV000437235.22), dbSNP rs551460373, ClinGen allele CA4822623.